The following is an entry in ClinVar:

NM_001369268.1(ACAN):c.630-2A>C

Gene: ACAN (aggrecan; plus strand). Cytogenetic location: 15q26.1.
Variant type: single nucleotide variant.
Coding change: c.630-2A>C on transcript NM_001369268.1 (MANE Select); the canonical splice acceptor site of the intron before coding-DNA position 630, A replaced by C.
Molecular consequence: splice acceptor variant.
Genome position (GRCh38, 1-based): chr15:88,841,738, A>C. VCF-style: chr15-88841738-A-C. GRCh37 (hg19) VCF-style: chr15-89384969-A-C.
Other names: c.630-2A>C (NM_013227.4, NM_001411097.1, NM_001411096.1 and 1 more transcripts).
Identifiers: ClinVar variation 2133842 (VCV002133842.4), dbSNP rs2505240838, ClinGen allele CA393705237.

ClinVar aggregate classification (germline): Likely pathogenic (1 of 4 stars; one submission).

Submission:

Labcorp Genetics (formerly Invitae), Labcorp
Classification: Likely pathogenic. Last evaluated: 2022-05-04. Review status: criteria provided, single submitter. Criteria: Invitae Variant Classification Sherloc (09022015). Collection method: clinical testing. Allele origin: germline.
Comment: This sequence change affects an acceptor splice site in intron 4 of the ACAN gene. It is expected to disrupt RNA splicing. Variants that disrupt the donor or acceptor splice site typically lead to a loss of protein function (PMID: 16199547), and loss-of-function variants in ACAN are known to be pathogenic (PMID: 16080123, 24762113). In summary, the currently available evidence indicates that the variant is pathogenic, but additional data are needed to prove that conclusively. Therefore, this variant has been classified as Likely Pathogenic. Algorithms developed to predict the effect of sequence changes on RNA splicing suggest that this variant may disrupt the consensus splice site. This variant has not been reported in the literature in individuals affected with ACAN-related conditions. This variant is not present in population databases (gnomAD no frequency).

Literature cited by the submitters: PubMed 16199547; PubMed 16080123; PubMed 24762113.